The following is an entry in ClinVar:

ClinVar aggregate classification (germline): Uncertain significance. Review status: criteria provided, multiple submitters, no conflicts (2 of 4 stars). 2 submissions from 2 submitters: Uncertain significance (2). Last evaluated 2025-08-09.

Conditions:
Inborn genetic diseases. Identifiers: MedGen C0950123, MeSH D030342.

Submissions (2):

Ambry Genetics
Classification: Uncertain significance for Inborn genetic diseases. Last evaluated: 2025-08-09. Review status: criteria provided, single submitter. Criteria: Ambry Variant Classification Scheme 2023. Collection method: clinical testing. Allele origin: germline.

Labcorp Genetics (formerly Invitae), Labcorp
Classification: Uncertain significance. Last evaluated: 2025-04-03. Review status: criteria provided, single submitter. Criteria: Invitae Variant Classification Sherloc (09022015). Collection method: clinical testing. Allele origin: germline.
Comment: This sequence change replaces threonine, which is neutral and polar, with proline, which is neutral and non-polar, at codon 1517 of the DOCK6 protein (p.Thr1517Pro). This variant is not present in population databases (gnomAD no frequency). This variant has not been reported in the literature in individuals affected with DOCK6-related conditions. Invitae Evidence Modeling of protein sequence and biophysical properties (such as structural, functional, and spatial information, amino acid conservation, physicochemical variation, residue mobility, and thermodynamic stability) indicates that this missense variant is not expected to disrupt DOCK6 protein function with a negative predictive value of 80%. In summary, the available evidence is currently insufficient to determine the role of this variant in disease. Therefore, it has been classified as a Variant of Uncertain Significance.

NM_020812.4(DOCK6):c.4549A>C (p.Thr1517Pro)

Genes: DOCK6 (dedicator of cytokinesis 6; minus strand), DOCK6-AS1 (DOCK6 antisense RNA 1; plus strand). Cytogenetic location: 19p13.2.
Variant type: single nucleotide variant.
Coding change: c.4549A>C on transcript NM_020812.4 (MANE Select); coding-DNA position 4549, A replaced by C.
Protein change: p.Thr1517Pro; replaces threonine 1517 with proline.
Molecular consequence: missense variant.
Genome position (GRCh38, 1-based): chr19:11,212,094, T>G on the plus strand (A>C on the coding strand, the complement: DOCK6 is on the minus strand). VCF-style: chr19-11212094-T-G. GRCh37 (hg19) VCF-style: chr19-11322770-T-G.
Other names: c.4654A>C, p.Thr1552Pro (NM_001367830.1); short protein forms T1552P, T1517P.
Identifiers: ClinVar variation 4243985 (VCV004243985.2).
Genomic context (GRCh38, chr19:11,212,094, plus strand): 5'-CAGCATAGGTGAGGATGGTTTTGAGTGAACGTCGCAGGTGCTCTTCACTGAAGTTCTGCG[T>G]CGTCCCCACCAGGGACGAGAGAGACATGGTGACCTGCATCTTCACACGGGCAAAGTTCTG-3'
Protein context (NP_065863.2, residues 1507-1527): TMSLSSLVGT[Thr1517Pro]QNFSEEHLRR